The following is an entry in ClinVar:

ClinVar aggregate classification (germline): Uncertain significance (1 of 4 stars; one submission).

Conditions:
Dystonic disorder. Also called: Dystonia. Identifiers: MedGen C0013421, MONDO:0003441, HP:0001332.

Allele frequency attached by ClinVar (database versions not stated): gnomAD 0.00001; gnomAD exomes 0.00001; TOPMed 0.00001.

Submission:

Labcorp Genetics (formerly Invitae), Labcorp
Classification: Uncertain significance for Dystonic disorder. Last evaluated: 2020-03-06. Review status: criteria provided, single submitter. Criteria: Invitae Variant Classification Sherloc (09022015). Collection method: clinical testing. Allele origin: germline.
Comment: Algorithms developed to predict the effect of missense changes on protein structure and function (SIFT, PolyPhen-2, Align-GVGD) all suggest that this variant is likely to be tolerated, but these predictions have not been confirmed by published functional studies and their clinical significance is uncertain. This sequence change replaces glutamine with arginine at codon 179 of the DRD2 protein (p.Gln179Arg). The glutamine residue is moderately conserved and there is a small physicochemical difference between glutamine and arginine. This variant is not present in population databases (ExAC no frequency). This variant has not been reported in the literature in individuals with DRD2-related conditions. In summary, the available evidence is currently insufficient to determine the role of this variant in disease. Therefore, it has been classified as a Variant of Uncertain Significance.

NM_000795.4(DRD2):c.536A>G (p.Gln179Arg)

Gene: DRD2 (dopamine receptor D2; minus strand). Cytogenetic location: 11q23.2.
Variant type: single nucleotide variant.
Coding change: c.536A>G on transcript NM_000795.4 (MANE Select); coding-DNA position 536, A replaced by G.
Protein change: p.Gln179Arg; replaces glutamine 179 with arginine.
Molecular consequence: missense variant.
Genome position (GRCh38, 1-based): chr11:113,415,608, T>C on the plus strand (A>G on the coding strand, the complement: DRD2 is on the minus strand). VCF-style: chr11-113415608-T-C. GRCh37 (hg19) VCF-style: chr11-113286330-T-C.
Other names: c.536A>G, p.Gln179Arg (NM_016574.4); short protein forms Q179R.
Identifiers: ClinVar variation 1061595 (VCV001061595.9), dbSNP rs1057032656, ClinGen allele CA228626362.